The following is an entry in ClinVar:

ClinVar aggregate classification (germline): Likely benign. Review status: criteria provided, multiple submitters, no conflicts (2 of 4 stars). 2 submissions from 2 submitters: Likely benign (2). Last evaluated 2026-05-14.

Conditions:
ERCC1-related disorder. Also called: ERCC1-related condition.

Allele frequency attached by ClinVar (database versions not stated): gnomAD 0.00002; gnomAD exomes 0.00002; ExAC 0.00003; TOPMed 0.00003; ESP Exome Variant Server 0.00008.

Submissions (2):

PreventionGenetics, part of Exact Sciences
Classification: Likely benign for ERCC1-related condition. Last evaluated: 2026-05-14. Review status: criteria provided, single submitter. Criteria: ACMG Guidelines, 2015. Collection method: clinical testing. Allele origin: germline.
Comment: This variant is classified as likely benign based on ACMG/AMP sequence variant interpretation guidelines (Richards et al. 2015 PMID: 25741868, with internal and published modifications).

Labcorp Genetics (formerly Invitae), Labcorp
Classification: Likely benign. Last evaluated: 2022-08-26. Review status: criteria provided, single submitter. Criteria: Invitae Variant Classification Sherloc (09022015). Collection method: clinical testing. Allele origin: germline.

NM_001983.4(ERCC1):c.205C>T (p.Leu69=)

Gene: ERCC1 (ERCC excision repair 1, endonuclease non-catalytic subunit; minus strand). Cytogenetic location: 19q13.32.
Variant type: single nucleotide variant.
Coding change: c.205C>T on transcript NM_001983.4 (MANE Select); coding-DNA position 205, C replaced by T.
Protein change: p.Leu69=; no amino-acid change (leucine 69 retained).
Molecular consequence: synonymous variant.
Genome position (GRCh38, 1-based): chr19:45,421,294, G>A on the plus strand (C>T on the coding strand, the complement: ERCC1 is on the minus strand). VCF-style: chr19-45421294-G-A. GRCh37 (hg19) VCF-style: chr19-45924552-G-A.
Other names: c.205C>T (NM_202001.2); c.205C>T, p.Leu69= (NM_001166049.2, NM_001369408.1, NM_001369409.1 and 11 more transcripts).
Identifiers: ClinVar variation 1990232 (VCV001990232.5), dbSNP rs139307454, ClinGen allele CA9515533.